The following is an entry in ClinVar:

NM_000135.4(FANCA):c.50G>A (p.Gly17Asp)

Genes: FANCA (FA complementation group A; minus strand), LOC112486223 (Sharpr-MPRA regulatory region 3988; plus strand). Cytogenetic location: 16q24.3.
Variant type: single nucleotide variant.
Coding change: c.50G>A on transcript NM_000135.4 (MANE Select); coding-DNA position 50, G replaced by A.
Protein change: p.Gly17Asp; replaces glycine 17 with aspartic acid.
Molecular consequence: missense variant.
Genome position (GRCh38, 1-based): chr16:89,816,566, C>T on the plus strand (G>A on the coding strand, the complement: FANCA is on the minus strand). VCF-style: chr16-89816566-C-T. GRCh37 (hg19) VCF-style: chr16-89882974-C-T.
Other names: c.50G>A, p.Gly17Asp (NM_001018112.3, NM_001286167.3, NM_001351830.2); short protein forms G17D.
Identifiers: ClinVar variation 2725849 (VCV002725849.23), dbSNP rs1326963514, ClinGen allele CA397484479.
Genomic context (GRCh38, chr16:89,816,566, plus strand): 5'-CCCACTCCCGCGGCCTGCCGCGCCCACCTACCCAGCAGCTCGGCCCAGGCCCTCCGGCGG[C>T]CCCCTGGGTCCTGGCCCGAGGCGGAGTTCGGGACCCACGAGTCGGACATGGCCTTGGCGC-3'
Protein context (NP_000126.2, residues 7-27): PNSASGQDPG[Gly17Asp]RRRAWAELLA

ClinVar aggregate classification (germline): Uncertain significance. Review status: criteria provided, multiple submitters, no conflicts (2 of 4 stars). 4 submissions from 4 submitters: Uncertain significance (4). Last evaluated 2025-12-15.

Conditions:
Inborn genetic diseases. Identifiers: MedGen C0950123, MeSH D030342.
Fanconi anemia (FA). Also called: Fanconi's anemia. Identifiers: Orphanet 84, MedGen C0015625, MeSH D005199, MONDO:0019391.
Fanconi anemia complementation group A (FANCA). Also called: Fanconi anemia, group A; FANCA-Related Fanconi Anemia. Identifiers: Orphanet 84, MedGen C3469521, MONDO:0009215, OMIM 227650.

gnomAD v4.1: 5 of 1,513,120 alleles (0.00033%); highest among the groups gnomAD compares: African/African-American, 0.0043%; no homozygotes.

Submissions (4):

Labcorp Genetics (formerly Invitae), Labcorp
Classification: Uncertain significance for Fanconi anemia. Last evaluated: 2025-12-15. Review status: criteria provided, single submitter. Criteria: Invitae Variant Classification Sherloc (09022015). Collection method: clinical testing. Allele origin: germline.
Comment: This sequence change replaces glycine, which is neutral and non-polar, with aspartic acid, which is acidic and polar, at codon 17 of the FANCA protein (p.Gly17Asp). The frequency data for this variant in the population databases is considered unreliable, as metrics indicate poor data quality at this position in the gnomAD database. This variant has not been reported in the literature in individuals affected with FANCA-related conditions. ClinVar contains an entry for this variant (Variation ID: 2725849). Invitae Evidence Modeling of protein sequence and biophysical properties (such as structural, functional, and spatial information, amino acid conservation, physicochemical variation, residue mobility, and thermodynamic stability) indicates that this missense variant is not expected to disrupt FANCA protein function with a negative predictive value of 95%. In summary, the available evidence is currently insufficient to determine the role of this variant in disease. Therefore, it has been classified as a Variant of Uncertain Significance.

Dasa
Classification: Uncertain significance for Fanconi anemia complementation group A. Last evaluated: 2025-11-16. Review status: criteria provided, single submitter. Criteria: DASA Assertion Criteria. Collection method: clinical testing. Allele origin: germline.
Comment: NM_000135.4(FANCA):c.50G>A (p.Gly17Asp) is a missense variant that results in the substitution of glycine with aspartic acid. This variant is rare in population databases. The currently available literature and clinical evidence are not sufficient to establish a definitive association between this variant and the reported condition. Therefore, this variant is classified as a variant of uncertain significance.

Ambry Genetics
Classification: Uncertain significance for Inborn genetic diseases. Last evaluated: 2024-11-22. Review status: criteria provided, single submitter. Criteria: Ambry Variant Classification Scheme 2023. Collection method: clinical testing. Allele origin: germline.
Comment: The p.G17D variant (also known as c.50G>A), located in coding exon 1 of the FANCA gene, results from a G to A substitution at nucleotide position 50. The glycine at codon 17 is replaced by aspartic acid, an amino acid with similar properties. This amino acid position is conserved. In addition, this alteration is predicted to be tolerated by in silico analysis. Based on the available evidence, the clinical significance of this variant remains unclear.

CeGaT Center for Human Genetics Tuebingen
Classification: Uncertain significance. Last evaluated: 2024-06-01. Review status: criteria provided, single submitter. Criteria: CeGaT Center For Human Genetics Tuebingen Variant Classification Criteria Version 2. Collection method: clinical testing. Allele origin: germline. Affected: yes. Observed: 1 variant allele.
Comment: FANCA: PM2